The following is an entry in ClinVar:

ClinVar aggregate classification (germline): Uncertain significance (1 of 4 stars; one submission).

Conditions:
Baller-Gerold syndrome (BGS). Also called: CRANIOSYNOSTOSIS WITH RADIAL DEFECTS. Identifiers: Orphanet 1225, MedGen C0265308, MONDO:0009039, OMIM 218600.

Submission:

Labcorp Genetics (formerly Invitae), Labcorp
Classification: Uncertain significance for Baller-Gerold syndrome. Last evaluated: 2024-12-17. Review status: criteria provided, single submitter. Criteria: Invitae Variant Classification Sherloc (09022015). Collection method: clinical testing. Allele origin: germline.
Comment: This sequence change replaces glutamic acid, which is acidic and polar, with glycine, which is neutral and non-polar, at codon 1032 of the RECQL4 protein (p.Glu1032Gly). This variant is not present in population databases (gnomAD no frequency). This variant has not been reported in the literature in individuals affected with RECQL4-related conditions. Invitae Evidence Modeling of protein sequence and biophysical properties (such as structural, functional, and spatial information, amino acid conservation, physicochemical variation, residue mobility, and thermodynamic stability) indicates that this missense variant is expected to disrupt RECQL4 protein function with a positive predictive value of 80%. In summary, the available evidence is currently insufficient to determine the role of this variant in disease. Therefore, it has been classified as a Variant of Uncertain Significance.

NM_004260.4(RECQL4):c.3095A>G (p.Glu1032Gly)

Gene: RECQL4 (RecQ like helicase 4; minus strand). Cytogenetic location: 8q24.3.
Variant type: single nucleotide variant.
Coding change: c.3095A>G on transcript NM_004260.4 (MANE Select); coding-DNA position 3095, A replaced by G.
Protein change: p.Glu1032Gly; replaces glutamic acid 1032 with glycine.
Molecular consequence: missense variant. On other transcripts: non-coding transcript variant (2).
Genome position (GRCh38, 1-based): chr8:144,512,285, T>C on the plus strand (A>G on the coding strand, the complement: RECQL4 is on the minus strand). VCF-style: chr8-144512285-T-C. GRCh37 (hg19) VCF-style: chr8-145737668-T-C.
Other names: c.2801A>G, p.Glu934Gly (NM_001413017.1); c.2897A>G, p.Glu966Gly (NM_001413018.1); c.3170A>G, p.Glu1057Gly (NM_001413019.1); c.2999A>G, p.Glu1000Gly (NM_001413020.1); c.2024A>G, p.Glu675Gly (NM_001413021.1, NM_001413022.1, NM_001413024.1 and 4 more transcripts); c.2099A>G, p.Glu700Gly (NM_001413023.1); c.2966A>G, p.Glu989Gly (NM_001413025.1); c.1958A>G, p.Glu653Gly (NM_001413027.1, NM_001413030.1, NM_001413032.1); and 9 more; short protein forms E1000G, E1022G, E1032G, E1057G, E543G, E609G, E631G, E653G.
Identifiers: ClinVar variation 3624544 (VCV003624544.2).